The following continues an entry in ClinVar:

NM_206926.2(SELENON):c.841G>A (p.Gly281Ser)

Gene: SELENON. ClinVar aggregate classification (germline): Pathogenic/Likely pathogenic. Pathogenic (26); Likely pathogenic (3).

Submissions 13 to 24 of 34:

Molecular Genetics, Royal Melbourne Hospital
Classification: Pathogenic for Eichsfeld type congenital muscular dystrophy. Last evaluated: 2024-02-05. Review status: criteria provided, single submitter. Criteria: ACMG Guidelines, 2015. Collection method: clinical testing. Allele origin: germline. Inheritance: Autosomal recessive inheritance.
Comment: This sequence change in SELENON is predicted to replace glycine with serine at codon 315, p.(Gly315Ser). The glycine residue is highly conserved (100 vertebrates, Multiz Alignments). There is a small physicochemical difference between glycine and serine. The highest population minor allele frequency in the population database gnomAD v4.0 is 0.07% (791/1,180,030 alleles, 1 homozygote) in the European (non-Finnish) population. This variant has been detected in the homozygous and compound heterozygous state in multiple individuals with myopathy (confirmed in trans pathogenic variant in at least one individual) and segregates with disease in multiple families (PMID: 12192640, 16365872, 30932294). Computational evidence predicts a deleterious effect for the missense substitution (REVEL = 0.949). Based on the classification scheme RMH Modified ACMG/AMP Guidelines v1.6.1, this variant is classified as PATHOGENIC. Following criteria are met: PM3_VeryStrong, PP1_Strong, PP3_Moderate.

Mayo Clinic Laboratories, Mayo Clinic
Classification: Pathogenic. Last evaluated: 2024-01-31. Review status: criteria provided, single submitter. Criteria: ACMG Guidelines, 2015. Collection method: clinical testing. Allele origin: germline.
Comment: PP3, PM2_moderate, PM3_strong, PS3_supporting, PS4

Women's Health and Genetics/Laboratory Corporation of America, LabCorp
Classification: Pathogenic for Eichsfeld type congenital muscular dystrophy. Last evaluated: 2023-12-12. Review status: criteria provided, single submitter. Criteria: LabCorp Variant Classification Summary - May 2015. Collection method: clinical testing. Allele origin: germline.
Comment: Variant summary: SELENON c.943G>A (p.Gly315Ser) results in a non-conservative amino acid change in the encoded protein sequence. Five of five in-silico tools predict a damaging effect of the variant on protein function. The variant allele was found at a frequency of 0.00018 in 249510 control chromosomes. This frequency is not significantly higher than estimated for a pathogenic variant in SELENON causing Eichsfeld Type Congenital Muscular Dystrophy (0.00018 vs 0.0011), allowing no conclusion about variant significance. c.943G>A has been reported in the literature as biallelic homozygous or compound heterozygous genotypes in multiple individuals affected with features of Eichsfeld Type Congenital Muscular Dystrophy (example, Ferreiro_2004, Nicolau_2019). These data indicate that the variant is very likely to be associated with disease. To our knowledge, no experimental evidence demonstrating an impact on protein function has been reported. The following publications have been ascertained in the context of this evaluation (PMID: 15122708, 17204937, 31321302). Multiple submitters have cited clinical-significance assessments for this variant to ClinVar after 2014. All submitters classified the variant as pathogenic/likely pathogenic. Based on the evidence outlined above, the variant was classified as pathogenic.

Pittsburgh Clinical Genomics Laboratory, University of Pittsburgh Medical Center
Classification: Pathogenic for Eichsfeld type congenital muscular dystrophy. Last evaluated: 2023-04-20. Review status: criteria provided, single submitter. Criteria: ACMG Guidelines, 2015. Collection method: clinical testing. Allele origin: germline. Inheritance: Autosomal recessive inheritance. Affected: yes.
Comment: This sequence variant is a single nucleotide substitution (G>A) at coding nucleotide 943 of the SELENON gene that results in a glycine to serine amino acid change at residue 315 of the SELENON protein. This is a previously reported variant (ClinVar) that has been observed in the literature in many individuals with SELENON-related disorders in both the homozygous and compound heterozygous state (PMID: 12192640, 16365872, 19067361, 23394784, 30932294, 32796131, 34867752). This variant is present in the gnomAD population database (51 of 280900 alleles or 0.018%). Bioinformatic tools predict that this variant would be damaging, and the Gly315 residue is highly conserved across the vertebrate species examined. Protein expression studies found that this variant along with a second missense variant led to an approximate 80% decrease in protein expression in patient fibroblasts (PMID: 19067361). Given the currently available evidence, we consider this variant to be pathogenic. ACMG Criteria: PP3, PP5, PS3, PS4

Broad Center for Mendelian Genomics, Broad Institute of MIT and Harvard
Classification: Pathogenic. Last evaluated: 2022-05-04. Review status: criteria provided, single submitter. Criteria: ACMG Guidelines, 2015. Collection method: curation. Allele origin: germline. Inheritance: Autosomal recessive inheritance.
Comment: This variant has been reported in at least 10 individuals with SELENON-RM (PMID: 16365872, 12192640, 17951086), segregated with disease in 5 affected relatives from 4 families (PMID: 12192640, 16365872), and has been identified in 0.037% (48/128676) of European (non-Finnish) chromosomes by the Genome Aggregation Database (gnomAD; dbSNP ID: rs121908188). Although this variant has been seen in the general population, its frequency is not high enough to rule out a pathogenic role. This variant has also been reported in ClinVar (Variation ID#: 4496) and has been interpreted as pathogenic/likely pathogenic by multiple labs. Of the many affected individuals, 2 of those were homozygotes and 1 was a compound heterozygote that carried a reported pathogenic variant in trans, which increases the likelihood that the p.Gly315Ser variant is pathogenic (Variation ID: 4492,95958; PMID: 12192640, 17951086). In vitro functional studies provide some evidence that the variant may slightly impact protein function (PMID: 19067361). However, these types of assays may not accurately represent biological function. Computational prediction tools and conservation analyses suggest that this variant may impact the protein, though this information is not predictive enough to determine pathogenicity. In summary, this variant meets criteria to be classified as pathogenic for autosomal recessive SELENON-RM. ACMG/AMP Criteria applied: PP1_strong, PM3_strong, PP3, PS3_supporting (Richards 2015).

AiLife Diagnostics
Classification: Likely pathogenic. Last evaluated: 2021-12-03. Review status: criteria provided, single submitter. Criteria: ACMG Guidelines, 2015. Collection method: clinical testing. Allele origin: germline. Affected: yes. Observed: 4 variant alleles.

Fulgent Genetics
Classification: Pathogenic for Congenital myopathy 4A, autosomal dominant; Eichsfeld type congenital muscular dystrophy. Last evaluated: 2021-10-29. Review status: criteria provided, single submitter. Criteria: ACMG Guidelines, 2015. Collection method: clinical testing. Allele origin: unknown.

Baylor Genetics
Classification: Pathogenic for Congenital myopathy 4A, autosomal dominant. Last evaluated: 2019-12-03. Review status: criteria provided, single submitter. Criteria: ACMG Guidelines, 2015. Collection method: clinical testing. Allele origin: unknown. Affected: yes.
Comment: This variant was determined to be pathogenic according to ACMG Guidelines, 2015 [PMID:25741868].

CENTOGENE GmbH and LLC - Guiding Precision Medicine
Classification: Pathogenic for Congenital myopathy 4A, autosomal dominant. Last evaluated: 2019-05-24. Review status: criteria provided, single submitter. Criteria: ACMG Guidelines, 2015. Collection method: clinical testing. Allele origin: germline. Affected: yes.

Undiagnosed Diseases Network, NIH
Classification: Likely pathogenic for Eichsfeld type congenital muscular dystrophy; Congenital myopathy 4A, autosomal dominant. Last evaluated: 2019-05-06. Review status: criteria provided, single submitter. Criteria: ACMG Guidelines, 2015. Collection method: clinical testing. Allele origin: maternal. Inheritance: Autosomal recessive inheritance. Affected: yes. Observed: 1 variant allele, 1 compound heterozygote. Study: Undiagnosed Diseases Network (NIH), UDN.

CeGaT Center for Human Genetics Tuebingen
Classification: Pathogenic. Last evaluated: 2019-01-01. Review status: criteria provided, single submitter. Criteria: CeGaT Center For Human Genetics Tuebingen Variant Classification Criteria Version 2. Collection method: clinical testing. Allele origin: germline. Affected: yes. Observed: 1 variant allele.

Illumina Laboratory Services, Illumina
Classification: Pathogenic for SEPN1-Related Disorders. Last evaluated: 2018-10-16. Review status: criteria provided, single submitter. Criteria: ICSL Variant Classification Criteria 09 May 2019. Collection method: clinical testing. Allele origin: germline.
Comment: Across a selection of available literature, the SEPN1 c.943G>A (p.Gly315Ser) missense variant has been identified in a homozygous state in 12 individuals and in a compound heterozygous state in four individuals from a total of ten unrelated families, with phenotypes including multiminicore disease, rigid spine muscular dystrophy, congenital fiber-type disproportion, and nemaline myopathy (Ferreiro et al. 2002; Venance et al. 2005; Clarke et al. 2006; Schara et al. 2008; Maggi et al. 2013). The variant was absent from 400 controls but is reported at a frequency of 0.00059 in the European American population of the Exome Sequencing Project. Cultured fibroblasts from an individual compound heterozygous for the p.Gly315Ser variant was found to have enzyme activity 20% of wild type but mRNA levels were found to be near normal (Maiti et al. 2009). Based on the evidence, the p.Gly315Ser variant is classified as pathogenic for SEPN1-related disorders. This variant was observed by ICSL as part of a predisposition screen in an ostensibly healthy population.